The following is an entry in ClinVar:

NM_001034853.2(RPGR):c.2964_2965del (p.Glu989fs)

Gene: RPGR (retinitis pigmentosa GTPase regulator; minus strand). Cytogenetic location: Xp11.4.
Variant type: Deletion.
Coding change: c.2964_2965del on transcript NM_001034853.2 (MANE Select); coding-DNA positions 2964 to 2965, 2 bases deleted (GG; older notation c.2964_2965delGG).
Protein change: p.Glu989fs; shifts the reading frame from glutamic acid 989.
Molecular consequence: frameshift variant. On other transcripts: intron variant (8).
Genome position (GRCh38, 1-based): chrX:38,286,034-38,286,035, CC deleted on the plus strand (GG on the coding strand, the reverse complement: RPGR is on the minus strand); deleting any 2 consecutive bases within chrX:38,286,034-38,286,037 gives the same sequence; the c. name uses the placement nearest the transcript's 3' end. VCF-style (leftmost placement, unchanged base first): chrX-38286033-TCC-T. GRCh37 (hg19) VCF-style: chrX-38145286-TCC-T.
Other names: NM_001034853.2(RPGR):c.2964_2965del; p.Glu989fs; c.2964_2965del (NM_001034853.1); c.1569+4924_1569+4925del (NM_001367249.1, NM_001367250.1); c.1902+1059_1902+1060del (NM_001367245.1); c.1386+4924_1386+4925del (NM_001367251.1); c.1719+1059_1719+1060del (NM_001367246.1); c.1572+4924_1572+4925del (NM_001367247.1); and 2 more; short protein forms E989fs.
Identifiers: ClinVar variation 812409 (VCV000812409.14), dbSNP rs1555961440, ClinGen allele CA915950963.
Genomic context (GRCh38, chrX:38,286,033, plus strand): 5'-CCTTCTTCCTCTCCCTCTCCTTCTTCCTCCCCTTCTTCTTCCCCTTCCTCCTCTTCCCCC[TCC>T]CCTTCTCCTTCCTCCTCTTCCCCCTCCCCTTCTCCTTCCTCCCCTTCCCCTTCTCCTTCC-3'

ClinVar aggregate classification (germline): Pathogenic. Review status: reviewed by expert panel (3 of 4 stars). 7 submissions from 7 submitters: Pathogenic (1). 6 of the submissions do not count toward it. Last evaluated 2025-09-05.

Conditions:
RPGR-related retinopathy. Also called: RPGR retinopathy. Identifiers: MedGen CN305589, MONDO:0100437.
Retinitis pigmentosa (RP). Identifiers: Orphanet 791, MedGen C0035334, MeSH D012174, MONDO:0019200, OMIM 268000. Inheritance: Autosomal dominant, autosomal recessive and X linked inheritance.
RPGR-related disorder. Also called: RPGR-related condition.
Primary ciliary dyskinesia. Also called: Ciliary dyskinesia. Identifiers: Orphanet 244, MedGen C0008780, MONDO:0016575, HP:0012265.
Retinitis pigmentosa 3. Also called: CHOROIDORETINAL DEGENERATION WITH RETINAL REFLEX IN HETEROZYGOUS WOMEN. Identifiers: Orphanet 791, MedGen C1845667, MONDO:0010227, OMIM 300029.

Submissions (7):

ClinGen X-linked Inherited Retinal Disease Variant Curation Expert Panel, ClinGen
Classification: Pathogenic for RPGR-related retinopathy. Last evaluated: 2025-09-05. Review status: reviewed by expert panel. Criteria: ClinGen X LinkedIRD ACMG Specifications RPGR V1.0.0. Collection method: curation. Allele origin: germline. Inheritance: X-linked inheritance.
Comment: NM_001034853.2(RPGR):c.2964_2965del (p.Glu989GlyfsTer?) is a frameshift variant due to a 2-nucleotide deletion introducing a premature stop codon within exon 15 of 15 that is predicted to disrupt a critical C-terminal region required for proper glutamylation of RPGR (PVS1, PMID: 36445968). This variant is absent from gnomAD v4.1.0 (PM2_Supporting). This variant has been reported in at least 4 apparently unrelated probands (PMIDs: 34985506, 37217489, 29528978, and 32679846). However, the number of individuals meeting one of the PS4 requirements of a male with some functional vision impairment by age 30 years and/or decreased or absent electroretinogram responses, or a female with functional visual abnormality and documentation of a male relative affected with retinitis pigmentosa was fewer than the requirement of at least 2 unrelated probands, so PS4_Supporting was not met. The variant has been reported to segregate with retinal dystrophy through at least 2 affected meioses from 1 family (PP1; PMID: 32679846). In summary, this variant is classified as pathogenic for RPGR-related retinopathy based on the ClinGen X-linked Inherited Retinal Disease Expert Panel Specifications to the ACMG/AMP Variant Interpretation Guidelines for RPGR Version 1.0.0; PVS1, PM2_Supporting, and PP1.

Labcorp Genetics (formerly Invitae), Labcorp
Classification: Pathogenic for Primary ciliary dyskinesia. Last evaluated: 2024-04-25. Review status: criteria provided, single submitter. Criteria: Invitae Variant Classification Sherloc (09022015). Collection method: clinical testing. Allele origin: germline. Not counted in ClinVar's aggregate classification.
Comment: This sequence change creates a premature translational stop signal (p.Glu989Glyfs*89) in the RPGR (ORF15) gene. While this is not anticipated to result in nonsense mediated decay, it is expected to disrupt the last 164 amino acid(s) of the RPGR (ORF15) protein. This variant is not present in population databases (gnomAD no frequency). This premature translational stop signal has been observed in individuals with retinitis pigmentosa (PMID: 16936086, 30029497, 32679846). It has also been observed to segregate with disease in related individuals. This variant is also known as g.ORF15 1211_1212delGG. ClinVar contains an entry for this variant (Variation ID: 812409). For these reasons, this variant has been classified as Pathogenic.

Blueprint Genetics
Classification: Pathogenic for RPGR-related disorders. Last evaluated: 2022-03-22. Review status: criteria provided, single submitter. Criteria: ACMG Guidelines, 2015. Collection method: clinical testing. Allele origin: germline. Affected: yes. Observed: 5 variant alleles. Not counted in ClinVar's aggregate classification.

DBGen Ocular Genomics
Classification: Pathogenic for Retinitis pigmentosa 3. Last evaluated: 2021-06-23. Review status: criteria provided, single submitter. Criteria: ACMG Guidelines, 2015. Collection method: clinical testing. Allele origin: germline. Affected: yes. Observed: 1 variant allele. Not counted in ClinVar's aggregate classification.

Institute of Medical Molecular Genetics, University of Zurich
Classification: Pathogenic for Retinitis pigmentosa 3. Last evaluated: 2020-12-21. Review status: criteria provided, single submitter. Criteria: Maggi J et al. (Genes (Basel) 2020). Collection method: research. Allele origin: germline. Affected: yes. Not counted in ClinVar's aggregate classification.

PreventionGenetics, part of Exact Sciences
Classification: Pathogenic. Last evaluated: 2017-06-11. Review status: criteria provided, single submitter. Criteria: ACMG Guidelines, 2015. Collection method: clinical testing. Allele origin: germline. Not counted in ClinVar's aggregate classification.

Sharon lab, Hadassah-Hebrew University Medical Center
Classification: Pathogenic for Retinitis pigmentosa. Last evaluated: 2019-06-23. Review status: no assertion criteria provided. Collection method: research. Allele origin: inherited. Affected: yes. Not counted in ClinVar's aggregate classification.

Literature cited by the submitters: PubMed 16936086 (cited by Labcorp Genetics (formerly Invitae), Labcorp); PubMed 30029497 (cited by Labcorp Genetics (formerly Invitae), Labcorp); PubMed 32679846 (cited by Labcorp Genetics (formerly Invitae), Labcorp).